The following is an entry in ClinVar:

ClinVar aggregate classification (germline): Likely pathogenic. Review status: criteria provided, multiple submitters, no conflicts (2 of 4 stars). 2 submissions from 2 submitters: Likely pathogenic (2). Last evaluated 2025-08-05.

Conditions:
Neurodevelopmental disorder with or without anomalies of the brain, eye, or heart (NEDBEH). Identifiers: Orphanet 494344, MedGen C5567477, MONDO:0014857, OMIM 616975.

Submissions (2):

Daryl Scott Lab, Baylor College of Medicine
Classification: Likely pathogenic for Neurodevelopmental disorder with or without anomalies of the brain, eye, or heart. Last evaluated: 2025-08-05. Review status: criteria provided, single submitter. Criteria: ACMG Guidelines, 2015. Collection method: clinical testing. Allele origin: de novo. Affected: yes. Observed: 1 heterozygote.
Comment: PS2, PM1, PM2, PP3

Juno Genomics, Hangzhou Juno Genomics, Inc
Classification: Likely pathogenic for Neurodevelopmental disorder with or without anomalies of the brain, eye, or heart. Review status: criteria provided, single submitter. Criteria: ACMG Guidelines, 2015. Collection method: clinical testing. Allele origin: germline. Affected: yes.
Comment: Absent from controls (or at extremely low frequency if recessive) in Genome Aggregation Database, Exome Sequencing Project, 1000 Genomes Project, or Exome Aggregation Consortium.;De novo (both maternity and paternity confirmed) in a patient with the disease and no family history.;Multiple lines of computational evidence support a deleterious effect on the gene or gene product (conservation, evolutionary, splicing impact, etc).;Located in a mutational hot spot and/or critical and well-established functional domain (e.g. active site of an enzyme) without benign variation.

NM_001042681.2(RERE):c.4298A>C (p.His1433Pro)

Gene: RERE (arginine-glutamic acid dipeptide repeats; minus strand). Cytogenetic location: 1p36.23.
Variant type: single nucleotide variant.
Coding change: c.4298A>C on transcript NM_001042681.2 (MANE Select); coding-DNA position 4298, A replaced by C.
Protein change: p.His1433Pro; replaces histidine 1433 with proline.
Molecular consequence: missense variant.
Genome position (GRCh38, 1-based): chr1:8,358,237, T>G on the plus strand (A>C on the coding strand, the complement: RERE is on the minus strand). VCF-style: chr1-8358237-T-G. GRCh37 (hg19) VCF-style: chr1-8418297-T-G.
Other names: c.2636A>C, p.His879Pro (NM_001042682.2); c.4298A>C, p.His1433Pro (NM_012102.4); short protein forms H1433P, H879P.
Identifiers: ClinVar variation 4075321 (VCV004075321.2).